The following is an entry in ClinVar:

ClinVar aggregate classification (germline): Conflicting classifications of pathogenicity. Review status: criteria provided, conflicting classifications (1 of 4 stars). 2 submissions from 2 submitters: Uncertain significance (1); Benign (1). Last evaluated 2026-08-08.

Conditions:
Primary ciliary dyskinesia. Also called: Ciliary dyskinesia. Identifiers: Orphanet 244, MedGen C0008780, MONDO:0016575, HP:0012265.

Allele frequency attached by ClinVar (database versions not stated): TOPMed 0.00005; ESP Exome Variant Server 0.00017; gnomAD 0.00004.

Submissions (2):

Ambry Genetics
Classification: Uncertain significance for Primary ciliary dyskinesia. Last evaluated: 2026-08-08. Review status: criteria provided, single submitter. Criteria: Ambry Variant Classification Scheme 2023. Collection method: clinical testing. Allele origin: germline.
Comment: The p.L2758S variant (also known as c.8273T>C), located in coding exon 50 of the DNAH11 gene, results from a T to C substitution at nucleotide position 8273. The leucine at codon 2758 is replaced by serine, an amino acid with dissimilar properties. This amino acid position is conserved. In addition, this alteration is predicted to be tolerated by in silico analysis. Based on the available evidence, the clinical significance of this variant remains unclear.

Labcorp Genetics (formerly Invitae), Labcorp
Classification: Benign for Primary ciliary dyskinesia. Last evaluated: 2024-09-14. Review status: criteria provided, single submitter. Criteria: Invitae Variant Classification Sherloc (09022015). Collection method: clinical testing. Allele origin: germline.

NM_001277115.2(DNAH11):c.8273T>C (p.Leu2758Ser)

Gene: DNAH11 (dynein axonemal heavy chain 11; plus strand). Cytogenetic location: 7p15.3.
Variant type: single nucleotide variant.
Coding change: c.8273T>C on transcript NM_001277115.2 (MANE Select); coding-DNA position 8273, T replaced by C.
Protein change: p.Leu2758Ser; replaces leucine 2758 with serine.
Molecular consequence: missense variant.
Genome position (GRCh38, 1-based): chr7:21,744,556, T>C. VCF-style: chr7-21744556-T-C. GRCh37 (hg19) VCF-style: chr7-21784174-T-C.
Other names: c.8294T>C, p.Leu2765Ser (NM_003777.3); c.8273T>C (NM_001277115.1); short protein forms L2758S, L2765S.
Identifiers: ClinVar variation 2743440 (VCV002743440.4), dbSNP rs368233591, ClinGen allele CA155117984.